The following is an entry in ClinVar:

ClinVar aggregate classification (germline): Likely pathogenic (1 of 4 stars; one submission).

Conditions:
Jeune thoracic dystrophy. Also called: Short-rib thoracic dysplasia; Jeune syndrome; Infantile thoracic dystrophy; Thoracic pelvic phalangeal dystrophy; Jeune's syndrome; Chondroectodermal dysplasia-like syndrome. Identifiers: Orphanet 474, MedGen C0265275, MONDO:0018770.

Submission:

Labcorp Genetics (formerly Invitae), Labcorp
Classification: Likely pathogenic for Jeune thoracic dystrophy. Last evaluated: 2023-10-10. Review status: criteria provided, single submitter. Criteria: Invitae Variant Classification Sherloc (09022015). Collection method: clinical testing. Allele origin: germline.
Comment: This sequence change affects a donor splice site in intron 42 of the DYNC2H1 gene. It is expected to disrupt RNA splicing. Variants that disrupt the donor or acceptor splice site typically lead to a loss of protein function (PMID: 16199547), and loss-of-function variants in DYNC2H1 are known to be pathogenic (PMID: 23339108, 32753734, 33755199). This variant is not present in population databases (gnomAD no frequency). This variant has not been reported in the literature in individuals affected with DYNC2H1-related conditions. Algorithms developed to predict the effect of sequence changes on RNA splicing suggest that this variant may disrupt the consensus splice site. In summary, the currently available evidence indicates that the variant is pathogenic, but additional data are needed to prove that conclusively. Therefore, this variant has been classified as Likely Pathogenic.

Literature cited by the submitters: PubMed 16199547; PubMed 23339108; PubMed 32753734; PubMed 33755199.

NM_001377.3(DYNC2H1):c.6893+1G>A

Gene: DYNC2H1 (dynein cytoplasmic 2 heavy chain 1; plus strand). Cytogenetic location: 11q22.3.
Variant type: single nucleotide variant.
Coding change: c.6893+1G>A on transcript NM_001377.3 (MANE Select); the canonical splice donor site of the intron after coding-DNA position 6893, G replaced by A.
Molecular consequence: splice donor variant.
Genome position (GRCh38, 1-based): chr11:103,186,502, G>A. VCF-style: chr11-103186502-G-A. GRCh37 (hg19) VCF-style: chr11-103057231-G-A.
Other names: c.6893+1G>A (NM_001080463.2).
Identifiers: ClinVar variation 2767537 (VCV002767537.3), dbSNP rs2496281774, ClinGen allele CA382250871.